The following is an entry in ClinVar:

ClinVar aggregate classification (germline): Uncertain significance. Review status: criteria provided, multiple submitters, no conflicts (2 of 4 stars). 2 submissions from 2 submitters: Uncertain significance (2). Last evaluated 2025-11-19.

Conditions:
Inborn genetic diseases. Identifiers: MedGen C0950123, MeSH D030342.

Allele frequency attached by ClinVar (database versions not stated): gnomAD 0.00001; gnomAD exomes below 0.00001; TOPMed below 0.00001.
gnomAD v4.1: 5 of 1,613,906 alleles (0.00031%); highest among the groups gnomAD compares: Non-Finnish European, 0.00042%; no homozygotes.

Submissions (2):

Ambry Genetics
Classification: Uncertain significance for Inborn genetic diseases. Last evaluated: 2025-11-19. Review status: criteria provided, single submitter. Criteria: Ambry Variant Classification Scheme 2023. Collection method: clinical testing. Allele origin: germline.

Labcorp Genetics (formerly Invitae), Labcorp
Classification: Uncertain significance. Last evaluated: 2021-09-02. Review status: criteria provided, single submitter. Criteria: Invitae Variant Classification Sherloc (09022015). Collection method: clinical testing. Allele origin: germline.
Comment: This sequence change replaces serine with arginine at codon 4276 of the LRP2 protein (p.Ser4276Arg). The serine residue is highly conserved and there is a moderate physicochemical difference between serine and arginine. This variant is not present in population databases (ExAC no frequency). This variant has not been reported in the literature in individuals affected with LRP2-related conditions. Advanced modeling of protein sequence and biophysical properties (such as structural, functional, and spatial information, amino acid conservation, physicochemical variation, residue mobility, and thermodynamic stability) performed at Invitae indicates that this missense variant is expected to disrupt LRP2 protein function. In summary, the available evidence is currently insufficient to determine the role of this variant in disease. Therefore, it has been classified as a Variant of Uncertain Significance.

NM_004525.3(LRP2):c.12828C>G (p.Ser4276Arg)

Gene: LRP2 (LDL receptor related protein 2; minus strand). Cytogenetic location: 2q31.1.
Variant type: single nucleotide variant.
Coding change: c.12828C>G on transcript NM_004525.3 (MANE Select); coding-DNA position 12828, C replaced by G.
Protein change: p.Ser4276Arg; replaces serine 4276 with arginine.
Molecular consequence: missense variant.
Genome position (GRCh38, 1-based): chr2:169,145,907, G>C on the plus strand (C>G on the coding strand, the complement: LRP2 is on the minus strand). VCF-style: chr2-169145907-G-C. GRCh37 (hg19) VCF-style: chr2-170002417-G-C.
Other names: c.12828C>G (NM_004525.2); short protein forms S4276R.
Identifiers: ClinVar variation 1407187 (VCV001407187.6), dbSNP rs1337766964, ClinGen allele CA349128657.
Genomic context (GRCh38, chr2:169,145,907, plus strand): 5'-TTTCCATACTTCTCCCTTTTCCTTAGATATCCAGTATAACTGGTCTTCAAAGATGTCCAG[G>C]CTGTAAGGGTTCATTGCTGCTTACCCACAGGGGAAAAACAAAACAGAAGGTTATTGAAAA-3'
Protein context (NP_004516.2, residues 4266-4286): VIAKEAMNPY[Ser4276Arg]LDIFEDQLYW